The following is an entry in ClinVar:

NM_015272.5(RPGRIP1L):c.230+812G>A

Gene: RPGRIP1L (RPGRIP1 like; minus strand). Cytogenetic location: 16q12.2.
Variant type: single nucleotide variant.
Coding change: c.230+812G>A on transcript NM_015272.5 (MANE Select); 812 bases into the intron after coding-DNA position 230, G replaced by A.
Molecular consequence: intron variant. On other transcripts: missense variant (1).
Genome position (GRCh38, 1-based): chr16:53,695,339, C>T on the plus strand (G>A on the coding strand, the complement: RPGRIP1L is on the minus strand). VCF-style: chr16-53695339-C-T. GRCh37 (hg19) VCF-style: chr16-53729251-C-T.
Other names: c.350G>A, p.Gly117Asp (NM_001328422.2); c.230+812G>A (NM_001127897.4, NM_001330538.2, NM_001308334.3); short protein forms G117D.
Identifiers: ClinVar variation 3354025 (VCV003354025.2).

ClinVar aggregate classification (germline): Uncertain significance (1 of 4 stars; one submission).

Conditions:
RPGRIP1L-related disorder. Also called: RPGRIP1L-related disorders; RPGRIP1L-related condition. Identifiers: MedGen CN239416.

Submission:

PreventionGenetics, part of Exact Sciences
Classification: Uncertain significance for RPGRIP1L-related condition. Last evaluated: 2026-07-28. Review status: criteria provided, single submitter. Criteria: ACMG Guidelines, 2015. Collection method: clinical testing. Allele origin: germline.
Comment: The RPGRIP1L c.350G>A variant is predicted to result in the amino acid substitution p.Gly117Asp. To our knowledge, this variant has not been reported in the literature. This variant is reported in 0.0019% of alleles in individuals of European (Non-Finnish) descent in gnomAD. At this time, the clinical significance of this variant is uncertain due to the absence of conclusive functional and genetic evidence.